The following is an entry in ClinVar:

ClinVar aggregate classification (germline): Uncertain significance. Review status: criteria provided, multiple submitters, no conflicts (2 of 4 stars). 5 submissions from 5 submitters: Uncertain significance (5). Last evaluated 2025-07-30.

Conditions:
Fanconi anemia complementation group J. Also called: BRIP1-Related Fanconi Anemia. Identifiers: Orphanet 84, MedGen C1836860, MONDO:0012187, OMIM 609054.
Familial cancer of breast. Also called: hereditary breast carcinoma; BREAST CANCER, FAMILIAL; Hereditary breast cancer. Identifiers: Orphanet 227535, MedGen C0346153, MONDO:0016419, OMIM 114480. Disease mechanism: loss of function.
Hereditary cancer-predisposing syndrome. Also called: Tumor predisposition; Hereditary Cancer Syndrome; Hereditary neoplastic syndrome; Neoplastic Syndromes, Hereditary. Identifiers: Orphanet 140162, MedGen C0027672, MeSH D009386, MONDO:0015356.

Allele frequency attached by ClinVar (database versions not stated): TOPMed 0.00002.
gnomAD v4.1: 4 of 1,613,990 alleles (0.00025%); highest among the groups gnomAD compares: Non-Finnish European, 0.00034%; no homozygotes.

Submissions (5):

Labcorp Genetics (formerly Invitae), Labcorp
Classification: Uncertain significance for Familial cancer of breast; Fanconi anemia complementation group J. Last evaluated: 2025-07-30. Review status: criteria provided, single submitter. Criteria: Invitae Variant Classification Sherloc (09022015). Collection method: clinical testing. Allele origin: germline.
Comment: This sequence change replaces aspartic acid, which is acidic and polar, with glutamic acid, which is acidic and polar, at codon 1112 of the BRIP1 protein (p.Asp1112Glu). This variant is present in population databases (no rsID available, gnomAD 0.0009%). This variant has not been reported in the literature in individuals affected with BRIP1-related conditions. ClinVar contains an entry for this variant (Variation ID: 234243). Invitae Evidence Modeling of protein sequence and biophysical properties (such as structural, functional, and spatial information, amino acid conservation, physicochemical variation, residue mobility, and thermodynamic stability) indicates that this missense variant is not expected to disrupt BRIP1 protein function with a negative predictive value of 95%. In summary, the available evidence is currently insufficient to determine the role of this variant in disease. Therefore, it has been classified as a Variant of Uncertain Significance.

Color Diagnostics, LLC DBA Color Health
Classification: Uncertain significance for Hereditary cancer-predisposing syndrome. Last evaluated: 2025-06-09. Review status: criteria provided, single submitter. Criteria: ACMG Guidelines, 2015. Collection method: clinical testing. Allele origin: germline.
Comment: This missense variant replaces aspartic acid with glutamic acid at codon 1112 of the BRIP1 protein. Computational prediction suggests that this variant may not impact protein structure and function. To our knowledge, functional studies have not been reported for this variant. This variant has not been reported in individuals affected with BRIP1-related disorders in the literature. This variant has been identified in 1/250902 chromosomes in the general population by the Genome Aggregation Database (gnomAD). The available evidence is insufficient to determine the role of this variant in disease conclusively. Therefore, this variant is classified as a Variant of Uncertain Significance.

GeneDx
Classification: Uncertain significance. Last evaluated: 2024-10-28. Review status: criteria provided, single submitter. Criteria: GeneDx Variant Classification Process June 2021. Collection method: clinical testing. Allele origin: germline. Affected: yes.
Comment: Not observed at significant frequency in large population cohorts (gnomAD); In silico analysis indicates that this missense variant does not alter protein structure/function; Has not been previously published as pathogenic or benign to our knowledge

Ambry Genetics
Classification: Uncertain significance for Hereditary cancer-predisposing syndrome. Last evaluated: 2024-04-18. Review status: criteria provided, single submitter. Criteria: Ambry Variant Classification Scheme 2023. Collection method: clinical testing. Allele origin: germline.
Comment: The p.D1112E variant (also known as c.3336T>A), located in coding exon 19 of the BRIP1 gene, results from a T to A substitution at nucleotide position 3336. The aspartic acid at codon 1112 is replaced by glutamic acid, an amino acid with highly similar properties. This nucleotide position is not well conserved in available vertebrate species. This amino acid position is poorly conserved in available vertebrate species. In addition, this alteration is predicted to be tolerated by in silico analysis. Since supporting evidence is limited at this time, the clinical significance of this alteration remains unclear.

Quest Diagnostics Nichols Institute San Juan Capistrano
Classification: Uncertain significance. Last evaluated: 2019-12-24. Review status: criteria provided, single submitter. Criteria: Quest Diagnostics criteria. Collection method: clinical testing. Allele origin: unknown.

NM_032043.3(BRIP1):c.3336T>A (p.Asp1112Glu)

Gene: BRIP1 (BRCA1 interacting DNA helicase 1; minus strand). Cytogenetic location: 17q23.2.
Variant type: single nucleotide variant.
Coding change: c.3336T>A on transcript NM_032043.3 (MANE Select); coding-DNA position 3336, T replaced by A.
Protein change: p.Asp1112Glu; replaces aspartic acid 1112 with glutamic acid.
Molecular consequence: missense variant.
Genome position (GRCh38, 1-based): chr17:61,683,710, A>T on the plus strand (T>A on the coding strand, the complement: BRIP1 is on the minus strand). VCF-style: chr17-61683710-A-T. GRCh37 (hg19) VCF-style: chr17-59761071-A-T.
Other names: short protein forms D1112E.
Identifiers: ClinVar variation 234243 (VCV000234243.18), dbSNP rs369843642, ClinGen allele CA10580777.